The following is an entry in ClinVar:

ClinVar aggregate classification (germline): Likely benign (1 of 4 stars; one submission).

Allele frequency attached by ClinVar (database versions not stated): TOPMed below 0.00001.

Submission:

CeGaT Center for Human Genetics Tuebingen
Classification: Likely benign. Last evaluated: 2024-02-01. Review status: criteria provided, single submitter. Criteria: CeGaT Center For Human Genetics Tuebingen Variant Classification Criteria Version 2. Collection method: clinical testing. Allele origin: germline. Affected: yes. Observed: 1 variant allele.
Comment: POMT2: PM2:Supporting, BP4, BP7

NM_013382.7(POMT2):c.762G>A (p.Gly254=)

Gene: POMT2 (protein O-mannosyltransferase 2; minus strand). Cytogenetic location: 14q24.3.
Variant type: single nucleotide variant.
Coding change: c.762G>A on transcript NM_013382.7 (MANE Select); coding-DNA position 762, G replaced by A.
Protein change: p.Gly254=; no amino-acid change (glycine 254 retained).
Molecular consequence: synonymous variant.
Genome position (GRCh38, 1-based): chr14:77,301,144, C>T on the plus strand (G>A on the coding strand, the complement: POMT2 is on the minus strand). VCF-style: chr14-77301144-C-T. GRCh37 (hg19) VCF-style: chr14-77767487-C-T.
Identifiers: ClinVar variation 3027339 (VCV003027339.22), dbSNP rs1457542706, ClinGen allele CA487325152.
Genomic context (GRCh38, chr14:77,301,144, plus strand): 5'-GCTCACCAATGAAAGACTGAGGTCTCCGAACAGGTACCAAAGGTCTGCAATGGTGTTCAG[C>T]CCCACTTGAAGGATGATAAAGAGGCCAACAAACTTGACCCCTAAAGCACCAGCAAGACTA-3'
Protein context (NP_037514.2, residues 244-264): FVGLFIILQV[Gly254=]LNTIADLWYL